The following is an entry in ClinVar:

ClinVar aggregate classification (germline): Uncertain significance. Review status: criteria provided, multiple submitters, no conflicts (2 of 4 stars). 2 submissions from 2 submitters: Uncertain significance (2). Last evaluated 2025-12-08.

Conditions:
Cardiovascular phenotype. Identifiers: MedGen CN230736.
Dilated cardiomyopathy 1DD (CMD1DD). Identifiers: Orphanet 154, MedGen C2750995, MONDO:0013168, OMIM 613172.

Allele frequency attached by ClinVar (database versions not stated): gnomAD exomes below 0.00001 and 0.00001.
gnomAD v4.1: 2 of 1,551,524 alleles (0.00013%); highest among the groups gnomAD compares: Non-Finnish European, 0.00017%; no homozygotes.

Submissions (2):

Labcorp Genetics (formerly Invitae), Labcorp
Classification: Uncertain significance for Dilated cardiomyopathy 1DD. Last evaluated: 2025-12-08. Review status: criteria provided, single submitter. Criteria: Invitae Variant Classification Sherloc (09022015). Collection method: clinical testing. Allele origin: germline.
Comment: This sequence change replaces asparagine, which is neutral and polar, with aspartic acid, which is acidic and polar, at codon 286 of the RBM20 protein (p.Asn286Asp). This variant is present in population databases (no rsID available, gnomAD 0.002%). This variant has not been reported in the literature in individuals affected with RBM20-related conditions. ClinVar contains an entry for this variant (Variation ID: 1375068). Invitae Evidence Modeling of protein sequence and biophysical properties (such as structural, functional, and spatial information, amino acid conservation, physicochemical variation, residue mobility, and thermodynamic stability) indicates that this missense variant is not expected to disrupt RBM20 protein function with a negative predictive value of 95%. In summary, the available evidence is currently insufficient to determine the role of this variant in disease. Therefore, it has been classified as a Variant of Uncertain Significance.

Ambry Genetics
Classification: Uncertain significance for Cardiovascular phenotype. Last evaluated: 2020-09-15. Review status: criteria provided, single submitter. Criteria: Ambry Variant Classification Scheme 2023. Collection method: clinical testing. Allele origin: germline.
Comment: The p.N286D variant (also known as c.856A>G), located in coding exon 2 of the RBM20 gene, results from an A to G substitution at nucleotide position 856. The asparagine at codon 286 is replaced by aspartic acid, an amino acid with highly similar properties. This amino acid position is not well conserved in available vertebrate species, and aspartic acid is the reference amino acid in other vertebrate species. In addition, this alteration is predicted to be tolerated by in silico analysis. Since supporting evidence is limited at this time, the clinical significance of this alteration remains unclear.

NM_001134363.3(RBM20):c.856A>G (p.Asn286Asp)

Gene: RBM20 (RNA binding motif protein 20; plus strand). Cytogenetic location: 10q25.2.
Variant type: single nucleotide variant.
Coding change: c.856A>G on transcript NM_001134363.3 (MANE Select); coding-DNA position 856, A replaced by G.
Protein change: p.Asn286Asp; replaces asparagine 286 with aspartic acid.
Molecular consequence: missense variant.
Genome position (GRCh38, 1-based): chr10:110,781,465, A>G. VCF-style: chr10-110781465-A-G. GRCh37 (hg19) VCF-style: chr10-112541223-A-G.
Other names: short protein forms N286D.
Identifiers: ClinVar variation 1375068 (VCV001375068.10), dbSNP rs1324823773, ClinGen allele CA378383913.